The following is an entry in ClinVar:

NM_002103.5(GYS1):c.309C>T (p.Phe103=)

Gene: GYS1 (glycogen synthase 1; minus strand). Cytogenetic location: 19q13.33.
Variant type: single nucleotide variant.
Coding change: c.309C>T on transcript NM_002103.5 (MANE Select); coding-DNA position 309, C replaced by T.
Protein change: p.Phe103=; no amino-acid change (phenylalanine 103 retained).
Molecular consequence: synonymous variant. On other transcripts: non-coding transcript variant (1), intron variant (1).
Genome position (GRCh38, 1-based): chr19:48,987,377, G>A on the plus strand (C>T on the coding strand, the complement: GYS1 is on the minus strand). VCF-style: chr19-48987377-G-A. GRCh37 (hg19) VCF-style: chr19-49490634-G-A.
Other names: c.301-1342C>T (NM_001161587.2).
Identifiers: ClinVar variation 1142815 (VCV001142815.11), dbSNP rs1390208595, ClinGen allele CA9563377.

ClinVar aggregate classification (germline): Likely benign. Review status: criteria provided, multiple submitters, no conflicts (2 of 4 stars). 2 submissions from 2 submitters: Likely benign (2). Last evaluated 2026-06-01.

Conditions:
Glycogen storage disease due to muscle and heart glycogen synthase deficiency. Also called: GSD 0b; MUSCLE GLYCOGEN SYNTHASE DEFICIENCY. Identifiers: Orphanet 137625, MedGen C1969054, MONDO:0012693, OMIM 611556.

Allele frequency attached by ClinVar (database versions not stated): gnomAD exomes 0.00001 and 0.00003; TOPMed 0.00001; gnomAD 0.00002 and 0.00003; ExAC 0.00010.
gnomAD v4.1: 20 of 1,600,650 alleles (0.0012%); highest among the groups gnomAD compares: Admixed American, 0.0051%; no homozygotes.

Submissions (2):

CeGaT Center for Human Genetics Tuebingen
Classification: Likely benign. Last evaluated: 2026-06-01. Review status: criteria provided, single submitter. Criteria: CeGaT Center For Human Genetics Tuebingen Variant Classification Criteria Version 2. Collection method: clinical testing. Allele origin: germline. Affected: yes. Observed: 1 variant allele.
Comment: GYS1: BP4, BP7

Labcorp Genetics (formerly Invitae), Labcorp
Classification: Likely benign for Glycogen storage disease due to muscle and heart glycogen synthase deficiency. Last evaluated: 2025-01-06. Review status: criteria provided, single submitter. Criteria: Invitae Variant Classification Sherloc (09022015). Collection method: clinical testing. Allele origin: germline.